The following is an entry in ClinVar:

ClinVar aggregate classification (germline): Uncertain significance. Review status: criteria provided, multiple submitters, no conflicts (2 of 4 stars). 2 submissions from 2 submitters: Uncertain significance (2). Last evaluated 2024-08-11.

Conditions:
Inborn genetic diseases. Identifiers: MedGen C0950123, MeSH D030342.

gnomAD v4.1: 4 of 1,614,216 alleles (0.00025%); highest among the groups gnomAD compares: Non-Finnish European, 0.00025%; no homozygotes.

Submissions (2):

Ambry Genetics
Classification: Uncertain significance for Inborn genetic diseases. Last evaluated: 2024-08-11. Review status: criteria provided, single submitter. Criteria: Ambry Variant Classification Scheme 2023. Collection method: clinical testing. Allele origin: germline.

CeGaT Center for Human Genetics Tuebingen
Classification: Uncertain significance. Last evaluated: 2024-01-01. Review status: criteria provided, single submitter. Criteria: CeGaT Center For Human Genetics Tuebingen Variant Classification Criteria Version 2. Collection method: clinical testing. Allele origin: germline. Affected: yes. Observed: 1 variant allele.
Comment: SACS: PM2

NM_014363.6(SACS):c.847A>G (p.Ser283Gly)

Gene: SACS (sacsin molecular chaperone; minus strand). Cytogenetic location: 13q12.12.
Variant type: single nucleotide variant.
Coding change: c.847A>G on transcript NM_014363.6 (MANE Select); coding-DNA position 847, A replaced by G.
Protein change: p.Ser283Gly; replaces serine 283 with glycine.
Molecular consequence: missense variant.
Genome position (GRCh38, 1-based): chr13:23,355,765, T>C on the plus strand (A>G on the coding strand, the complement: SACS is on the minus strand). VCF-style: chr13-23355765-T-C. GRCh37 (hg19) VCF-style: chr13-23929904-T-C.
Other names: c.406A>G, p.Ser136Gly (NM_001278055.2); c.847A>G (NM_014363.4); short protein forms S136G, S283G.
Identifiers: ClinVar variation 3027039 (VCV003027039.23), dbSNP rs1237449092, ClinGen allele CA387551013.